The following is an entry in ClinVar:

NM_005876.5(SPEG):c.943C>T (p.Arg315Trp)

Gene: SPEG (striated muscle enriched protein kinase; plus strand). Cytogenetic location: 2q35.
Variant type: single nucleotide variant.
Coding change: c.943C>T on transcript NM_005876.5 (MANE Select); coding-DNA position 943, C replaced by T.
Protein change: p.Arg315Trp; replaces arginine 315 with tryptophan.
Molecular consequence: missense variant.
Genome position (GRCh38, 1-based): chr2:219,448,101, C>T. VCF-style: chr2-219448101-C-T. GRCh37 (hg19) VCF-style: chr2-220312823-C-T.
Other names: short protein forms R315W.
Identifiers: ClinVar variation 1465415 (VCV001465415.7), dbSNP rs749179876, ClinGen allele CA2125622.

ClinVar aggregate classification (germline): Uncertain significance (1 of 4 stars; one submission).

Allele frequency attached by ClinVar (database versions not stated): TOPMed below 0.00001; gnomAD 0.00001; gnomAD exomes 0.00003 and 0.00006; ExAC 0.00014.
gnomAD v4.1: 50 of 1,603,982 alleles (0.0031%); highest among the groups gnomAD compares: Non-Finnish European, 0.0041%; no homozygotes.

Submission:

Labcorp Genetics (formerly Invitae), Labcorp
Classification: Uncertain significance. Last evaluated: 2022-06-20. Review status: criteria provided, single submitter. Criteria: Invitae Variant Classification Sherloc (09022015). Collection method: clinical testing. Allele origin: germline.
Comment: This sequence change replaces arginine, which is basic and polar, with tryptophan, which is neutral and slightly polar, at codon 315 of the SPEG protein (p.Arg315Trp). This variant is present in population databases (rs749179876, gnomAD 0.01%). This variant has not been reported in the literature in individuals affected with SPEG-related conditions. Algorithms developed to predict the effect of missense changes on protein structure and function are either unavailable or do not agree on the potential impact of this missense change (SIFT: "Deleterious"; PolyPhen-2: "Possibly Damaging"; Align-GVGD: "Class C0"). In summary, the available evidence is currently insufficient to determine the role of this variant in disease. Therefore, it has been classified as a Variant of Uncertain Significance.